The following is an entry in ClinVar:

NM_017514.5(PLXNA3):c.4621A>G (p.Ile1541Val)

Gene: PLXNA3 (plexin A3; plus strand). Cytogenetic location: Xq28.
Variant type: single nucleotide variant.
Coding change: c.4621A>G on transcript NM_017514.5 (MANE Select); coding-DNA position 4621, A replaced by G.
Protein change: p.Ile1541Val; replaces isoleucine 1541 with valine.
Molecular consequence: missense variant.
Genome position (GRCh38, 1-based): chrX:154,469,405, A>G. VCF-style: chrX-154469405-A-G. GRCh37 (hg19) VCF-style: chrX-153697748-A-G.
Other names: short protein forms I1541V.
Identifiers: ClinVar variation 2630236 (VCV002630236.1), dbSNP rs1557208607, ClinGen allele CA415251484.
Genomic context (GRCh38, chrX:154,469,405, plus strand): 5'-CAGCATAATCTTAAGGGCTGTCTGTGGCCCACAGAGTGGCGCCAGGGCCGCATGACTCGC[A>G]TCATCCTCCAGGATGAGGATGTCACCACCAAGATCGAGTGTGACTGGAAGAGGCTCAACT-3'
Protein context (NP_059984.3, residues 1531-1551): LEWRQGRMTR[Ile1541Val]ILQDEDVTTK

ClinVar aggregate classification (germline): Uncertain significance (1 of 4 stars; one submission).

Conditions:
PLXNA3-related disorder. Also called: PLXNA3-related condition.

Allele frequency attached by ClinVar (database versions not stated): gnomAD 0.00001; gnomAD exomes 0.00001; TOPMed 0.00001.
gnomAD v4.1: 4 of 1,207,538 alleles (0.00033%); highest among the groups gnomAD compares: African/African-American, 0.007%; no homozygotes.

Submission:

PreventionGenetics, part of Exact Sciences
Classification: Uncertain significance for PLXNA3-related condition. Last evaluated: 2023-01-25. Review status: criteria provided, single submitter. Criteria: ACMG Guidelines, 2015. Collection method: clinical testing. Allele origin: germline.
Comment: The PLXNA3 c.4621A>G variant is predicted to result in the amino acid substitution p.Ile1541Val. To our knowledge, this variant has not been reported in the literature. This variant is reported in 0.023% of alleles in individuals of African descent in gnomAD. At this time, the clinical significance of this variant is uncertain due to the absence of conclusive functional and genetic evidence.